The following is an entry in ClinVar:

ClinVar aggregate classification (germline): Pathogenic. Review status: criteria provided, multiple submitters, no conflicts (2 of 4 stars). 2 submissions from 2 submitters: Pathogenic (2). Last evaluated 2024-06-16.

Conditions:
Mendelian susceptibility to mycobacterial diseases due to partial STAT1 deficiency. Also called: IMMUNODEFICIENCY 31A, MYCOBACTERIOSIS, AUTOSOMAL DOMINANT; STAT1 DEFICIENCY, AUTOSOMAL DOMINANT; Immunodeficiency 31a. Identifiers: Orphanet 319595, MedGen C4013950, MONDO:0013956, OMIM 614892.
Immunodeficiency 31B. Also called: IMMUNODEFICIENCY 31B, MYCOBACTERIAL AND VIRAL INFECTIONS, AUTOSOMAL RECESSIVE; STAT1 DEFICIENCY, AUTOSOMAL RECESSIVE. Identifiers: Orphanet 391311, MedGen C3151088, MONDO:0013427, OMIM 613796.
Autoimmune enteropathy and endocrinopathy - susceptibility to chronic infections syndrome. Also called: Immunodeficiency 31C; Immunodeficiency 31C, autosomal dominant. Identifiers: Orphanet 391487, MedGen C3279990, MONDO:0013599, OMIM 614162.

Submissions (2):

Labcorp Genetics (formerly Invitae), Labcorp
Classification: Pathogenic for Mendelian susceptibility to mycobacterial diseases due to partial STAT1 deficiency; Immunodeficiency 31B; Autoimmune enteropathy and endocrinopathy - susceptibility to chronic infections syndrome. Last evaluated: 2024-06-16. Review status: criteria provided, single submitter. Criteria: Invitae Variant Classification Sherloc (09022015). Collection method: clinical testing. Allele origin: germline.
Comment: This sequence change replaces threonine, which is neutral and polar, with isoleucine, which is neutral and non-polar, at codon 288 of the STAT1 protein (p.Thr288Ile). This variant is not present in population databases (gnomAD no frequency). This missense change has been observed in individuals with chronic mucocutaneous candidiasis (PMID: 24188975, 27114460; Invitae). ClinVar contains an entry for this variant (Variation ID: 848760). An algorithm developed to predict the effect of missense changes on protein structure and function (PolyPhen-2) suggests that this variant is likely to be disruptive. Experimental studies have shown that this missense change affects STAT1 function (PMID: 24188975). This variant disrupts the p.Thr288 amino acid residue in STAT1. Other variant(s) that disrupt this residue have been determined to be pathogenic (PMID: 21727188, 27114460). This suggests that this residue is clinically significant, and that variants that disrupt this residue are likely to be disease-causing. For these reasons, this variant has been classified as Pathogenic.

CeGaT Center for Human Genetics Tuebingen
Classification: Pathogenic. Last evaluated: 2022-07-01. Review status: criteria provided, single submitter. Criteria: CeGaT Center For Human Genetics Tuebingen Variant Classification Criteria Version 2. Collection method: clinical testing. Allele origin: germline. Affected: yes. Observed: 2 variant alleles.

Literature cited by the submitters: PubMed 24188975 (cited by Labcorp Genetics (formerly Invitae), Labcorp); PubMed 27114460 (cited by Labcorp Genetics (formerly Invitae), Labcorp); PubMed 21727188 (cited by Labcorp Genetics (formerly Invitae), Labcorp).

NM_007315.4(STAT1):c.863C>T (p.Thr288Ile)

Gene: STAT1 (signal transducer and activator of transcription 1; minus strand). Cytogenetic location: 2q32.2.
Variant type: single nucleotide variant.
Coding change: c.863C>T on transcript NM_007315.4 (MANE Select); coding-DNA position 863, C replaced by T.
Protein change: p.Thr288Ile; replaces threonine 288 with isoleucine.
Molecular consequence: missense variant. On other transcripts: intron variant (1).
Genome position (GRCh38, 1-based): chr2:190,995,142, G>A on the plus strand (C>T on the coding strand, the complement: STAT1 is on the minus strand). VCF-style: chr2-190995142-G-A. GRCh37 (hg19) VCF-style: chr2-191859868-G-A.
Other names: c.863C>T, p.Thr288Ile (NM_001384880.1, NM_001384882.1, NM_001384886.1 and 4 more transcripts); c.869C>T, p.Thr290Ile (NM_001384881.1, NM_001384884.1); c.764C>T, p.Thr255Ile (NM_001384883.1); c.773C>T, p.Thr258Ile (NM_001384890.1); c.899C>T, p.Thr300Ile (NM_001384891.1); c.785+2714C>T (NM_001384885.1); short protein forms T288I, T255I, T258I, T290I, T300I.
Identifiers: ClinVar variation 848760 (VCV000848760.40), dbSNP rs1693751220, ClinGen allele CA349921778.